The following is an entry in ClinVar:

NM_170707.4(LMNA):c.357-3734G>A

Gene: LMNA (lamin A/C; plus strand). Cytogenetic location: 1q22.
Variant type: single nucleotide variant.
Coding change: c.357-3734G>A on transcript NM_170707.4 (MANE Select); 3734 bases into the intron before coding-DNA position 357, G replaced by A.
Molecular consequence: intron variant. On other transcripts: nonsense (1).
Genome position (GRCh38, 1-based): chr1:156,126,883, G>A. VCF-style: chr1-156126883-G-A. GRCh37 (hg19) VCF-style: chr1-156096674-G-A.
Other names: c.81G>A, p.Trp27Ter (NM_001282624.2); c.357-3734G>A (NM_001282625.2, NM_001282626.2, NM_170708.4 and 1 more transcripts); c.20+660G>A (NM_001257374.3); short protein forms W27*.
Identifiers: ClinVar variation 1306117 (VCV001306117.2), dbSNP rs888010397, ClinGen allele CA31005470.

ClinVar aggregate classification (germline): Uncertain significance (1 of 4 stars; one submission).

Allele frequency attached by ClinVar (database versions not stated): gnomAD exomes below 0.00001.
gnomAD v4.1: 3 of 1,611,108 alleles (0.00019%); highest among the groups gnomAD compares: South Asian, 0.0011%; no homozygotes.

Submission:

GeneDx
Classification: Uncertain significance. Last evaluated: 2020-01-17. Review status: criteria provided, single submitter. Criteria: GeneDx Variant Classification Process June 2021. Collection method: clinical testing. Allele origin: germline. Affected: yes.
Comment: Not observed at a significant frequency in large population cohorts (Lek et al., 2016); Nonsense variant located in an alternate transcript, and is not present in the coding portion of the primary transcript; Has not been previously published as pathogenic or benign to our knowledge